The following is an entry in ClinVar:

ClinVar aggregate classification (germline): Uncertain significance (1 of 4 stars; one submission).

Conditions:
Neuronal ceroid lipofuscinosis. Also called: Neuronal Ceroid Lipofuscinoses. Identifiers: Orphanet 216, Orphanet 79263, MedGen C0027877, MONDO:0016295. Disease mechanism: loss of function.

gnomAD v4.1: 1 of 1,608,132 alleles (0.000062%); highest among the groups gnomAD compares: East Asian, 0.0022%; no homozygotes.

Submission:

Labcorp Genetics (formerly Invitae), Labcorp
Classification: Uncertain significance for Neuronal ceroid lipofuscinosis. Last evaluated: 2021-11-10. Review status: criteria provided, single submitter. Criteria: Invitae Variant Classification Sherloc (09022015). Collection method: clinical testing. Allele origin: germline.
Comment: This sequence change replaces methionine, which is neutral and non-polar, with valine, which is neutral and non-polar, at codon 66 of the CLN6 protein (p.Met66Val). This variant is not present in population databases (gnomAD no frequency). This variant has not been reported in the literature in individuals affected with CLN6-related conditions. Algorithms developed to predict the effect of missense changes on protein structure and function are either unavailable or do not agree on the potential impact of this missense change (SIFT: "Deleterious"; PolyPhen-2: "Benign"; Align-GVGD: "Class C15"). In summary, the available evidence is currently insufficient to determine the role of this variant in disease. Therefore, it has been classified as a Variant of Uncertain Significance.

NM_017882.3(CLN6):c.196A>G (p.Met66Val)

Gene: CLN6 (CLN6 transmembrane ER protein; minus strand). Cytogenetic location: 15q23.
Variant type: single nucleotide variant.
Coding change: c.196A>G on transcript NM_017882.3 (MANE Select); coding-DNA position 196, A replaced by G.
Protein change: p.Met66Val; replaces methionine 66 with valine.
Molecular consequence: missense variant.
Genome position (GRCh38, 1-based): chr15:68,218,538, T>C on the plus strand (A>G on the coding strand, the complement: CLN6 is on the minus strand). VCF-style: chr15-68218538-T-C. GRCh37 (hg19) VCF-style: chr15-68510876-T-C.
Other names: short protein forms M66V.
Identifiers: ClinVar variation 1464218 (VCV001464218.3), dbSNP rs1430705796, ClinGen allele CA392975490.